The following is an entry in ClinVar:

NM_001001433.3(STX16):c.716A>G (p.Glu239Gly)

Genes: STX16 (syntaxin 16; plus strand), STX16-NPEPL1 (STX16-NPEPL1 readthrough (NMD candidate); plus strand). Cytogenetic location: 20q13.32.
Variant type: single nucleotide variant.
Coding change: c.716A>G on transcript NM_001001433.3 (MANE Select); coding-DNA position 716, A replaced by G.
Protein change: p.Glu239Gly; replaces glutamic acid 239 with glycine.
Molecular consequence: missense variant. On other transcripts: non-coding transcript variant (4).
Genome position (GRCh38, 1-based): chr20:58,671,221, A>G. VCF-style: chr20-58671221-A-G. GRCh37 (hg19) VCF-style: chr20-57246277-A-G.
Other names: c.704A>G, p.Glu235Gly (NM_001134772.3); c.665A>G, p.Glu222Gly (NM_001134773.3); c.557A>G, p.Glu186Gly (NM_001204868.2); c.653A>G, p.Glu218Gly (NM_003763.6); short protein forms E239G, E218G, E222G, E186G, E235G.
Identifiers: ClinVar variation 339055 (VCV000339055.11), dbSNP rs202102691, ClinGen allele CA9925407.

ClinVar aggregate classification (germline): Conflicting classifications of pathogenicity. Review status: criteria provided, conflicting classifications (1 of 4 stars). 4 submissions from 4 submitters: Uncertain significance (2); Likely benign (1). 1 of the submissions does not count toward it. Last evaluated 2024-09-27.

Conditions:
STX16-related disorder. Also called: STX16-related condition.
Inborn genetic diseases. Identifiers: MedGen C0950123, MeSH D030342.
Pseudohypoparathyroidism type 1B (PHP1B). Also called: PHP IB; Pseudohypoparathyroidism Ib (PHP-Ib); Pseudohypoparathyroidism Type IB. Identifiers: Orphanet 94089, MedGen C1864100, MONDO:0011301, OMIM 603233.

Allele frequency attached by ClinVar (database versions not stated): ExAC 0.00008; gnomAD exomes 0.00008 and 0.00013; gnomAD 0.00009; TOPMed 0.00009; ESP Exome Variant Server 0.00015.
gnomAD v4.1: 202 of 1,613,864 alleles (0.013%); highest among the groups gnomAD compares: Non-Finnish European, 0.017%; no homozygotes.

Submissions (4):

Labcorp Genetics (formerly Invitae), Labcorp
Classification: Uncertain significance. Last evaluated: 2024-09-27. Review status: criteria provided, single submitter. Criteria: Invitae Variant Classification Sherloc (09022015). Collection method: clinical testing. Allele origin: germline.
Comment: This sequence change replaces glutamic acid, which is acidic and polar, with glycine, which is neutral and non-polar, at codon 239 of the STX16 protein (p.Glu239Gly). This variant is present in population databases (rs202102691, gnomAD 0.01%). This variant has not been reported in the literature in individuals affected with STX16-related conditions. ClinVar contains an entry for this variant (Variation ID: 339055). Invitae Evidence Modeling of protein sequence and biophysical properties (such as structural, functional, and spatial information, amino acid conservation, physicochemical variation, residue mobility, and thermodynamic stability) indicates that this missense variant is expected to disrupt STX16 protein function with a positive predictive value of 80%. In summary, the available evidence is currently insufficient to determine the role of this variant in disease. Therefore, it has been classified as a Variant of Uncertain Significance.

Ambry Genetics
Classification: Uncertain significance for Inborn genetic diseases. Last evaluated: 2022-11-01. Review status: criteria provided, single submitter. Criteria: Ambry Variant Classification Scheme 2023. Collection method: clinical testing. Allele origin: germline.

Illumina Laboratory Services, Illumina
Classification: Likely benign for Pseudohypoparathyroidism type 1B. Last evaluated: 2018-01-13. Review status: criteria provided, single submitter. Criteria: ICSL Variant Classification Criteria 13 December 2019. Collection method: clinical testing. Allele origin: germline.
Comment: This variant was observed in the ICSL laboratory as part of a predisposition screen in an ostensibly healthy population. It had not been previously curated by ICSL or reported in the Human Gene Mutation Database (HGMD: prior to June 1st, 2018), and was therefore a candidate for classification through an automated scoring system. Utilizing variant allele frequency, disease prevalence and penetrance estimates, and inheritance mode, an automated score was calculated to assess if this variant is too frequent to cause the disease. Based on the score and internal cut-off values, a variant classified as likely benign is not then subjected to further curation. The score for this variant resulted in a classification of likely benign for this disease.

PreventionGenetics, part of Exact Sciences
Classification: Uncertain significance for STX16-related condition. Last evaluated: 2024-06-17. Review status: no assertion criteria provided. Collection method: clinical testing. Allele origin: germline. Not counted in ClinVar's aggregate classification.
Comment: The STX16 c.716A>G variant is predicted to result in the amino acid substitution p.Glu239Gly. To our knowledge, this variant has not been reported in the literature. This variant is reported in 0.016% of alleles in individuals of European (Non-Finnish) descent in gnomAD. At this time, the clinical significance of this variant is uncertain due to the absence of conclusive functional and genetic evidence.